The following is an entry in ClinVar:

NM_001040716.2(PC):c.1745_1746del (p.Val582fs)

Gene: PC (pyruvate carboxylase; minus strand). Cytogenetic location: 11q13.2.
Variant type: Microsatellite.
Coding change: c.1745_1746del on transcript NM_001040716.2 (MANE Select); coding-DNA positions 1745 to 1746, 2 bases deleted (TG; older notation c.1745_1746delTG).
Protein change: p.Val582fs; shifts the reading frame from valine 582.
Molecular consequence: frameshift variant.
Genome position (GRCh38, 1-based): chr11:66,852,518-66,852,519, CA deleted on the plus strand (TG on the coding strand, the reverse complement: PC is on the minus strand); deleting any 2 consecutive bases within chr11:66,852,518-66,852,522 gives the same sequence; the c. name uses the placement nearest the transcript's 3' end. VCF-style (leftmost placement, unchanged base first): chr11-66852517-GCA-G. GRCh37 (hg19) VCF-style: chr11-66619988-GCA-G.
Other names: c.1745_1746del, p.Val582fs (NM_000920.4, NM_022172.3); short protein forms V582fs.
Identifiers: ClinVar variation 1724347 (VCV001724347.2), dbSNP rs2495486867, ClinGen allele CA2580615735.

ClinVar aggregate classification (germline): Likely pathogenic (1 of 4 stars; one submission).

Conditions:
Pyruvate carboxylase deficiency. Also called: ATAXIA WITH LACTIC ACIDOSIS II; LEIGH NECROTIZING ENCEPHALOPATHY DUE TO PYRUVATE CARBOXYLASE DEFICIENCY; LEIGH SYNDROME DUE TO PYRUVATE CARBOXYLASE DEFICIENCY; PC DEFICIENCY; Pyruvate Carboxylase Deficiency Disease. Identifiers: Orphanet 3008, MedGen C0034341, MONDO:0009949, OMIM 266150.

Submission:

Myriad Genetics, Inc.
Classification: Likely pathogenic for Pyruvate carboxylase deficiency. Last evaluated: 2022-02-07. Review status: criteria provided, single submitter. Criteria: Myriad Women's Health Autosomal Recessive and X-Linked Classification Criteria (2021). Collection method: clinical testing. Allele origin: unknown.
Comment: NM_000920.3(PC):c.1745_1746delTG(V582Afs*31) is expected to be pathogenic in the context of pyruvate carboxylase deficiency. This variant is predicted to lead to an abnormal or absent protein product due to the creation of a premature termination codon in PC, a gene where loss-of-function variants are known to be pathogenic. Please note: this variant was assessed in the context of healthy population screening.